The following is an entry in ClinVar:

NM_173598.6(KSR2):c.1325+10T>G

Gene: KSR2 (kinase suppressor of ras 2; minus strand). Cytogenetic location: 12q24.22.
Variant type: single nucleotide variant.
Coding change: c.1325+10T>G on transcript NM_173598.6 (MANE Select); 10 bases into the intron after coding-DNA position 1325, T replaced by G.
Molecular consequence: intron variant.
Genome position (GRCh38, 1-based): chr12:117,579,109, A>C on the plus strand (T>G on the coding strand, the complement: KSR2 is on the minus strand). VCF-style: chr12-117579109-A-C. GRCh37 (hg19) VCF-style: chr12-118016914-A-C.
Identifiers: ClinVar variation 3352267 (VCV003352267.1).

ClinVar aggregate classification (germline): Likely benign (0 of 4 stars; one submission).

Conditions:
KSR2-related disorder. Also called: KSR2-related condition.

gnomAD v4.1: 7 of 1,608,854 alleles (0.00044%); highest among the groups gnomAD compares: Non-Finnish European, 0.0006%; no homozygotes.

Submission:

PreventionGenetics, part of Exact Sciences
Classification: Likely benign for KSR2-related condition. Last evaluated: 2024-04-19. Review status: no assertion criteria provided. Collection method: clinical testing. Allele origin: germline.
Comment: This variant is classified as likely benign based on ACMG/AMP sequence variant interpretation guidelines (Richards et al. 2015 PMID: 25741868, with internal and published modifications).